The following is an entry in ClinVar:

NM_002439.5(MSH3):c.2873A>G (p.Asp958Gly)

Gene: MSH3 (mutS homolog 3; plus strand). Cytogenetic location: 5q14.1.
Variant type: single nucleotide variant.
Coding change: c.2873A>G on transcript NM_002439.5 (MANE Select); coding-DNA position 2873, A replaced by G.
Protein change: p.Asp958Gly; replaces aspartic acid 958 with glycine.
Molecular consequence: missense variant.
Genome position (GRCh38, 1-based): chr5:80,854,189, A>G. VCF-style: chr5-80854189-A-G. GRCh37 (hg19) VCF-style: chr5-80150008-A-G.
Other names: short protein forms D958G.
Identifiers: ClinVar variation 4654566 (VCV004654566.1).

ClinVar aggregate classification (germline): Uncertain significance (1 of 4 stars; one submission).

Conditions:
Hereditary cancer-predisposing syndrome. Also called: Neoplastic Syndromes, Hereditary; Tumor predisposition; Hereditary Cancer Syndrome; Hereditary neoplastic syndrome. Identifiers: Orphanet 140162, MedGen C0027672, MeSH D009386, MONDO:0015356.

gnomAD v4.1: 1 of 1,613,878 alleles (0.000062%); highest among the groups gnomAD compares: Non-Finnish European, 0.000085%; no homozygotes.

Submission:

Ambry Genetics
Classification: Uncertain significance for Hereditary cancer-predisposing syndrome. Last evaluated: 2025-10-23. Review status: criteria provided, single submitter. Criteria: Ambry Variant Classification Scheme 2023. Collection method: clinical testing. Allele origin: germline.
Comment: The p.D958G variant (also known as c.2873A>G), located in coding exon 21 of the MSH3 gene, results from an A to G substitution at nucleotide position 2873. The aspartic acid at codon 958 is replaced by glycine, an amino acid with similar properties. This amino acid position is conserved. In addition, the in silico prediction for this alteration is inconclusive. Based on the available evidence, the clinical significance of this variant remains unclear.